The following is an entry in ClinVar:

NM_006904.7(PRKDC):c.2959C>G (p.Leu987Val)

Gene: PRKDC (protein kinase, DNA-activated, catalytic subunit; minus strand). Cytogenetic location: 8q11.21.
Variant type: single nucleotide variant.
Coding change: c.2959C>G on transcript NM_006904.7 (MANE Select); coding-DNA position 2959, C replaced by G.
Protein change: p.Leu987Val; replaces leucine 987 with valine.
Molecular consequence: missense variant.
Genome position (GRCh38, 1-based): chr8:47,904,952, G>C on the plus strand (C>G on the coding strand, the complement: PRKDC is on the minus strand). VCF-style: chr8-47904952-G-C. GRCh37 (hg19) VCF-style: chr8-48817512-G-C.
Other names: c.2959C>G, p.Leu987Val (NM_001081640.2); short protein forms L987V.
Identifiers: ClinVar variation 1409168 (VCV001409168.6), dbSNP rs201873394, ClinGen allele CA371157566.

ClinVar aggregate classification (germline): Uncertain significance (1 of 4 stars; one submission).

Conditions:
Severe combined immunodeficiency due to DNA-PKcs deficiency. Also called: Immunodeficiency 26 with or without neurologic abnormalities; IMMUNODEFICIENCY 26 WITH NEUROLOGIC ABNORMALITIES. Identifiers: Orphanet 317425, MedGen C4014833, MONDO:0014423, OMIM 615966.

gnomAD v4.1: 4 of 1,613,528 alleles (0.00025%); highest among the groups gnomAD compares: Non-Finnish European, 0.00034%; no homozygotes.

Submission:

Labcorp Genetics (formerly Invitae), Labcorp
Classification: Uncertain significance for Severe combined immunodeficiency due to DNA-PKcs deficiency. Last evaluated: 2021-04-08. Review status: criteria provided, single submitter. Criteria: Invitae Variant Classification Sherloc (09022015). Collection method: clinical testing. Allele origin: germline.
Comment: In summary, the available evidence is currently insufficient to determine the role of this variant in disease. Therefore, it has been classified as a Variant of Uncertain Significance. This sequence change replaces leucine with valine at codon 987 of the PRKDC protein (p.Leu987Val). The leucine residue is highly conserved and there is a small physicochemical difference between leucine and valine. This variant is not present in population databases (ExAC no frequency). This variant has not been reported in the literature in individuals with PRKDC-related conditions. Experimental studies and prediction algorithms are not available or were not evaluated, and the functional significance of this variant is currently unknown.